The following is an entry in ClinVar:

NM_001164508.2(NEB):c.8515T>A (p.Trp2839Arg)

Gene: NEB (nebulin; minus strand). Cytogenetic location: 2q23.3.
Variant type: single nucleotide variant.
Coding change: c.8515T>A on transcript NM_001164508.2 (MANE Select); coding-DNA position 8515, T replaced by A.
Protein change: p.Trp2839Arg; replaces tryptophan 2839 with arginine.
Molecular consequence: missense variant.
Genome position (GRCh38, 1-based): chr2:151,640,525, A>T on the plus strand (T>A on the coding strand, the complement: NEB is on the minus strand). VCF-style: chr2-151640525-A-T. GRCh37 (hg19) VCF-style: chr2-152497039-A-T.
Other names: c.8515T>A, p.Trp2839Arg (NM_001164507.2, NM_001271208.2, NM_004543.5); short protein forms W2839R.
Identifiers: ClinVar variation 2014608 (VCV002014608.1), dbSNP rs1466648554, ClinGen allele CA348810707.

ClinVar aggregate classification (germline): Uncertain significance (1 of 4 stars; one submission).

Conditions:
Nemaline myopathy 2 (NEM2). Also called: Nemaline myopathy 2, autosomal recessive. Identifiers: MedGen C1850569, MONDO:0009725, OMIM 256030.

gnomAD v4.1: 2 of 1,613,854 alleles (0.00012%); highest among the groups gnomAD compares: East Asian, 0.0022%; no homozygotes.

Submission:

Labcorp Genetics (formerly Invitae), Labcorp
Classification: Uncertain significance for Nemaline myopathy 2. Last evaluated: 2022-07-06. Review status: criteria provided, single submitter. Criteria: Invitae Variant Classification Sherloc (09022015). Collection method: clinical testing. Allele origin: germline.
Comment: This sequence change replaces tryptophan, which is neutral and slightly polar, with arginine, which is basic and polar, at codon 2839 of the NEB protein (p.Trp2839Arg). This variant is present in population databases (no rsID available, gnomAD 0.006%). This variant has not been reported in the literature in individuals affected with NEB-related conditions. Algorithms developed to predict the effect of missense changes on protein structure and function are either unavailable or do not agree on the potential impact of this missense change (SIFT: "Deleterious"; PolyPhen-2: "Not Available"; Align-GVGD: "Class C0"). In summary, the available evidence is currently insufficient to determine the role of this variant in disease. Therefore, it has been classified as a Variant of Uncertain Significance.